The following is an entry in ClinVar:

ClinVar aggregate classification (somatic clinical impact): Tier II - Potential (1 of 4 stars; one submission).
ClinVar aggregate classification (oncogenicity): Likely oncogenic (1 of 4 stars; one submission).

Conditions:
Medulloblastoma non-WNT/non-SHH group 3. Identifiers: MedGen C4330665, MONDO:0956966.
Neoplasm. Also called: Neoplasms; Neoplasm (disease); tumor. Identifiers: MedGen C0027651, MeSH D009369, MONDO:0005070, HP:0002664.

Submissions (2):

Center for Genomic Medicine, Rigshospitalet, Copenhagen University Hospital
Classification: Likely oncogenic for Neoplasm. Last evaluated: 2025-03-04. Review status: criteria provided, single submitter. Criteria: ClinGen/CGC/VICC Guidelines for Oncogenicity, 2022. Collection method: clinical testing. Allele origin: somatic. Affected: yes.

Institute for Genomic Medicine (IGM) Clinical Laboratory, Nationwide Children's Hospital
Classification: Tier II - Potential for Medulloblastoma non-WNT/non-SHH group 3. Assertion type: diagnostic. Clinical significance: supports diagnosis. Last evaluated: 2024-12-26. Review status: criteria provided, single submitter. Criteria: AMP/ASCO/CAP Guidelines, 2017. Collection method: clinical testing. Allele origin: somatic. Affected: yes.
Comment: Variant has Tier II (potential) clinical significance as a diagnostic inclusion criterion in medulloblastoma non-WNT/non-SHH group 3, based on the following evidence: 1) Documented in one or more cancer databases (e.g., St. Jude Pecan, COSMIC, CIViC, OncoKB). 2) Diagnostic significance based on multiple small studies (Evidence Level C; PMIDs: 28726821, 21163964, 22832583, 22722829, 22820256).

Literature cited by the submitters: PubMed 38848040 (cited by Center for Genomic Medicine, Rigshospitalet, Copenhagen University Hospital); PubMed 28726821 (cited by Institute for Genomic Medicine (IGM) Clinical Laboratory, Nationwide Children's Hospital); PubMed 21163964 (cited by Institute for Genomic Medicine (IGM) Clinical Laboratory, Nationwide Children's Hospital); PubMed 22832583 (cited by Institute for Genomic Medicine (IGM) Clinical Laboratory, Nationwide Children's Hospital); PubMed 22722829 (cited by Institute for Genomic Medicine (IGM) Clinical Laboratory, Nationwide Children's Hospital); PubMed 22820256 (cited by Institute for Genomic Medicine (IGM) Clinical Laboratory, Nationwide Children's Hospital).

NM_002467.6(MYC):c.218C>A (p.Thr73Asn)

Gene: MYC (MYC proto-oncogene, bHLH transcription factor; plus strand). Cytogenetic location: 8q24.21.
Variant type: single nucleotide variant.
Coding change: c.218C>A on transcript NM_002467.6 (MANE Select); coding-DNA position 218, C replaced by A.
Protein change: p.Thr73Asn; replaces threonine 73 with asparagine.
Molecular consequence: missense variant.
Genome position (GRCh38, 1-based): chr8:127,738,435, C>A. VCF-style: chr8-127738435-C-A. GRCh37 (hg19) VCF-style: chr8-128750681-C-A.
Other names: c.215C>A, p.Thr72Asn (NM_001354870.1); short protein forms T72N, T73N.
Identifiers: ClinVar variation 3764866 (VCV003764866.2).
Genomic context (GRCh38, chr8:127,738,435, plus strand): 5'-GCGAGCTGCAGCCCCCGGCGCCCAGCGAGGATATCTGGAAGAAATTCGAGCTGCTGCCCA[C>A]CCCGCCCCTGTCCCCTAGCCGCCGCTCCGGGCTCTGCTCGCCCTCCTACGTTGCGGTCAC-3'
Protein context (NP_002458.2, residues 63-83): DIWKKFELLP[Thr73Asn]PPLSPSRRSG